The following is an entry in ClinVar:

ClinVar aggregate classification (germline): Uncertain significance (1 of 4 stars; one submission).

Conditions:
CHARGE syndrome (CHARGE). Also called: Hittner Hirsch Kreh syndrome; Coloboma, heart anomaly, choanal atresia, retardation, genital and ear anomalies; CHARGE association; Hall-Hittner syndrome; CHARGE ASSOCIATION--COLOBOMA, HEART ANOMALY, CHOANAL ATRESIA, RETARDATION, GENITAL AND EAR ANOMALIES. Identifiers: Orphanet 138, MedGen C0265354, MONDO:0008965.

Allele frequency attached by ClinVar (database versions not stated): gnomAD exomes below 0.00001; TOPMed 0.00001.
gnomAD v4.1: 2 of 1,614,066 alleles (0.00012%); highest among the groups gnomAD compares: Non-Finnish European, 0.00017%; no homozygotes.

Submission:

Genomic Diagnostic Laboratory, Division of Genomic Diagnostics, Children's Hospital of Philadelphia
Classification: Uncertain significance for CHARGE syndrome. Last evaluated: 2016-09-05. Review status: criteria provided, single submitter. Criteria: DGD Variant Analysis Guidelines. Collection method: clinical testing. Allele origin: germline. Affected: yes. Observed: 1 variant allele.
Comment: Clinical Testing

NM_017780.4(CHD7):c.1006A>G (p.Asn336Asp)

Gene: CHD7 (chromodomain helicase DNA binding protein 7; plus strand). Cytogenetic location: 8q12.2.
Variant type: single nucleotide variant.
Coding change: c.1006A>G on transcript NM_017780.4 (MANE Select); coding-DNA position 1006, A replaced by G.
Protein change: p.Asn336Asp; replaces asparagine 336 with aspartic acid.
Molecular consequence: missense variant.
Genome position (GRCh38, 1-based): chr8:60,742,438, A>G. VCF-style: chr8-60742438-A-G. GRCh37 (hg19) VCF-style: chr8-61654997-A-G.
Other names: c.1006A>G (LRG_176t1); c.1006A>G, p.Asn336Asp (NM_001316690.1); short protein forms N336D.
Identifiers: ClinVar variation 267416 (VCV000267416.2), dbSNP rs886040979, ClinGen allele CA10602483.